The following is an entry in ClinVar:

ClinVar aggregate classification (germline): Pathogenic (1 of 4 stars; one submission).

Conditions:
RYR1-related disorder. Also called: RYR1-related disorders; RYR1-related condition. Identifiers: MedGen CN239331.

Submission:

Labcorp Genetics (formerly Invitae), Labcorp
Classification: Pathogenic for RYR1-Related Disorders. Last evaluated: 2019-03-11. Review status: criteria provided, single submitter. Criteria: Invitae Variant Classification Sherloc (09022015). Collection method: clinical testing. Allele origin: germline.
Comment: This sequence change creates a premature translational stop signal (p.Ala4439Profs*7) in the RYR1 gene. It is expected to result in an absent or disrupted protein product. The frequency data for this variant in the population databases is considered unreliable, as metrics indicate insufficient coverage at this position in the ExAC database. This variant has not been reported in the literature in individuals with RYR1-related conditions. This missense change is located in a region of the RYR1 protein where a significant number of previously reported RYR1 missense mutations are found (PMID: 16084090). These observations suggest that a previously unreported missense substitution within this region may affect protein function, but experiments have not been done to test this possibility. Loss-of-function variants in RYR1 are known to be pathogenic (PMID: 20583297, 20839240, 23919265, 28818389). For these reasons, this variant has been classified as Pathogenic.

Literature cited by the submitters: PubMed 16084090.

NM_000540.3(RYR1):c.13301_13314dup (p.Ala4439fs)

Genes: RYR1 (ryanodine receptor 1; plus strand), LOC130064357 (ATAC-STARR-seq lymphoblastoid silent region 10577; plus strand). Cytogenetic location: 19q13.2.
Variant type: Duplication.
Coding change: c.13301_13314dup on transcript NM_000540.3 (MANE Select); coding-DNA positions 13301 to 13314, 14 bases duplicated (CCGACGGGGCGGTG).
Protein change: p.Ala4439fs; shifts the reading frame from alanine 4439.
Molecular consequence: frameshift variant.
Genome position (GRCh38, 1-based): chr19:38,565,635-38,565,648, CCGACGGGGCGGTG duplicated; duplicating any 14 consecutive bases within chr19:38,565,627-38,565,648 gives the same sequence; the c. name uses the placement nearest the transcript's 3' end. VCF-style (leftmost placement, unchanged base first): chr19-38565626-C-CGGGCGGTGCCGACG. GRCh37 (hg19) VCF-style: chr19-39056266-C-CGGGCGGTGCCGACG.
Other names: c.13286_13299dup, p.Ala4434fs (NM_001042723.2); short protein forms A4434fs, A4439fs.
Identifiers: ClinVar variation 854078 (VCV000854078.1), dbSNP rs1973379457, ClinGen allele CA916082463.